The following is an entry in ClinVar:

ClinVar aggregate classification (germline): Uncertain significance (1 of 4 stars; one submission).

Conditions:
Leber congenital amaurosis 17 (LCA17). Identifiers: Orphanet 65, MedGen C3715164, MONDO:0014145, OMIM 615360.
Klippel-Feil syndrome 1, autosomal dominant (KFS1). Also called: CERVICAL VERTEBRAL FUSION, AUTOSOMAL DOMINANT. Identifiers: Orphanet 2345, MedGen C1861689, MONDO:0007306, OMIM 118100.
Microphthalmia, isolated, with coloboma 6 (MCOPCB6). Also called: Microphthalmia with coloboma 6, digenic; Microphthalmia with coloboma 6; MICROPHTHALMIA/COLOBOMA 6. Identifiers: Orphanet 98938, MedGen C3150968, MONDO:0013376, OMIM 613703.
Isolated microphthalmia 4. Identifiers: Orphanet 2542, MedGen C2751307, MONDO:0013130, OMIM 613094.

Submission:

Labcorp Genetics (formerly Invitae), Labcorp
Classification: Uncertain significance for Isolated microphthalmia 4; Leber congenital amaurosis 17; Klippel-Feil syndrome 1, autosomal dominant; Microphthalmia, isolated, with coloboma 6. Last evaluated: 2024-08-29. Review status: criteria provided, single submitter. Criteria: Invitae Variant Classification Sherloc (09022015). Collection method: clinical testing. Allele origin: germline.
Comment: This sequence change replaces aspartic acid, which is acidic and polar, with glutamic acid, which is acidic and polar, at codon 370 of the GDF6 protein (p.Asp370Glu). This variant is not present in population databases (gnomAD no frequency). This variant has not been reported in the literature in individuals affected with GDF6-related conditions. Invitae Evidence Modeling of protein sequence and biophysical properties (such as structural, functional, and spatial information, amino acid conservation, physicochemical variation, residue mobility, and thermodynamic stability) has been performed for this missense variant. However, the output from this modeling did not meet the statistical confidence thresholds required to predict the impact of this variant on GDF6 protein function. In summary, the available evidence is currently insufficient to determine the role of this variant in disease. Therefore, it has been classified as a Variant of Uncertain Significance.

NM_001001557.4(GDF6):c.1110C>A (p.Asp370Glu)

Gene: GDF6 (growth differentiation factor 6; minus strand). Cytogenetic location: 8q22.1.
Variant type: single nucleotide variant.
Coding change: c.1110C>A on transcript NM_001001557.4 (MANE Select); coding-DNA position 1110, C replaced by A.
Protein change: p.Asp370Glu; replaces aspartic acid 370 with glutamic acid.
Molecular consequence: missense variant.
Genome position (GRCh38, 1-based): chr8:96,144,821, G>T on the plus strand (C>A on the coding strand, the complement: GDF6 is on the minus strand). VCF-style: chr8-96144821-G-T. GRCh37 (hg19) VCF-style: chr8-97157049-G-T.
Other names: short protein forms D370E.
Identifiers: ClinVar variation 3750829 (VCV003750829.2).